The following is an entry in ClinVar:

NM_001010892.3(RSPH4A):c.224C>T (p.Ala75Val)

Gene: RSPH4A (radial spoke head component 4A; plus strand). Cytogenetic location: 6q22.1.
Variant type: single nucleotide variant.
Coding change: c.224C>T on transcript NM_001010892.3 (MANE Select); coding-DNA position 224, C replaced by T.
Protein change: p.Ala75Val; replaces alanine 75 with valine.
Molecular consequence: missense variant.
Genome position (GRCh38, 1-based): chr6:116,616,847, C>T. VCF-style: chr6-116616847-C-T. GRCh37 (hg19) VCF-style: chr6-116938010-C-T.
Other names: c.224C>T, p.Ala75Val (NM_001161664.2); short protein forms A75V.
Identifiers: ClinVar variation 2109649 (VCV002109649.4), dbSNP rs553472573, ClinGen allele CA365390803.

ClinVar aggregate classification (germline): Uncertain significance (1 of 4 stars; one submission).

Conditions:
Primary ciliary dyskinesia. Also called: Ciliary dyskinesia. Identifiers: Orphanet 244, MedGen C0008780, MONDO:0016575, HP:0012265.

Submission:

Labcorp Genetics (formerly Invitae), Labcorp
Classification: Uncertain significance for Primary ciliary dyskinesia. Last evaluated: 2023-10-13. Review status: criteria provided, single submitter. Criteria: Invitae Variant Classification Sherloc (09022015). Collection method: clinical testing. Allele origin: germline.
Comment: This sequence change replaces alanine, which is neutral and non-polar, with valine, which is neutral and non-polar, at codon 75 of the RSPH4A protein (p.Ala75Val). This variant is not present in population databases (gnomAD no frequency). This variant has not been reported in the literature in individuals affected with RSPH4A-related conditions. ClinVar contains an entry for this variant (Variation ID: 2109649). Algorithms developed to predict the effect of missense changes on protein structure and function output the following: SIFT: "Not Available"; PolyPhen-2: "Benign"; Align-GVGD: "Not Available". The valine amino acid residue is found in multiple mammalian species, which suggests that this missense change does not adversely affect protein function. In summary, the available evidence is currently insufficient to determine the role of this variant in disease. Therefore, it has been classified as a Variant of Uncertain Significance.